The following is an entry in ClinVar:

NM_030773.4(TUBB1):c.779T>C (p.Phe260Ser)

Gene: TUBB1 (tubulin beta 1 class VI; plus strand). Cytogenetic location: 20q13.32.
Variant type: single nucleotide variant.
Coding change: c.779T>C on transcript NM_030773.4 (MANE Select); coding-DNA position 779, T replaced by C.
Protein change: p.Phe260Ser; replaces phenylalanine 260 with serine.
Molecular consequence: missense variant.
Genome position (GRCh38, 1-based): chr20:59,024,206, T>C. VCF-style: chr20-59024206-T-C. GRCh37 (hg19) VCF-style: chr20-57599261-T-C.
Other names: p.Phe260Ser; short protein forms F260S.
Identifiers: ClinVar variation 372810 (VCV000372810.23), dbSNP rs1057517996, ClinGen allele CA16043139.

ClinVar aggregate classification (germline): Pathogenic/Likely pathogenic. Review status: criteria provided, multiple submitters, no conflicts (2 of 4 stars). 10 submissions from 10 submitters: Pathogenic (3); Likely pathogenic (6). 1 of the submissions does not count toward it. Last evaluated 2026-04-06.

Conditions:
TUBB1-related disorder. Also called: TUBB1-related condition.
Macrothrombocytopenia, isolated, 1, autosomal dominant (MACTHC1). Also called: Autosomal dominant macrothrombocytopenia TUBB1-related. Identifiers: Orphanet 140957, MedGen C5676892, MONDO:0800047, OMIM 613112.

Submissions (10):

PreventionGenetics, part of Exact Sciences
Classification: Likely pathogenic for TUBB1-related condition. Last evaluated: 2026-04-06. Review status: criteria provided, single submitter. Criteria: ACMG Guidelines, 2015. Collection method: clinical testing. Allele origin: germline.
Comment: The TUBB1 c.779T>C variant is predicted to result in the amino acid substitution p.Phe260Ser. This variant has been reported in a family with macrothrombocytopenia (Kunishima et al. 2014. PubMed ID: 24344610). Functional studies, including cell-expression studies, indicate that this variant may affect microtubule formation and consequently, platelet formation (Kunishima et al. 2014. PubMed ID: 24344610). This variant has not been reported in a large population database (gnomAD), indicating this variant is rare. This variant is interpreted as likely pathogenic.

Labcorp Genetics (formerly Invitae), Labcorp
Classification: Likely pathogenic. Last evaluated: 2026-01-05. Review status: criteria provided, single submitter. Criteria: Invitae Variant Classification Sherloc (09022015). Collection method: clinical testing. Allele origin: germline.
Comment: This sequence change replaces phenylalanine, which is neutral and non-polar, with serine, which is neutral and polar, at codon 260 of the TUBB1 protein (p.Phe260Ser). This variant is not present in population databases (gnomAD no frequency). This missense change has been observed in individual(s) with clinical features of TUBB1-related macrothrombocytopenia (PMID: 24344610, 37792884; internal data). It has also been observed to segregate with disease in related individuals. ClinVar contains an entry for this variant (Variation ID: 372810). Invitae Evidence Modeling of protein sequence and biophysical properties (such as structural, functional, and spatial information, amino acid conservation, physicochemical variation, residue mobility, and thermodynamic stability) indicates that this missense variant is expected to disrupt TUBB1 protein function with a positive predictive value of 80%. Experimental studies have shown that this missense change affects TUBB1 function (PMID: 24344610). In summary, the currently available evidence indicates that the variant is pathogenic, but additional data are needed to prove that conclusively. Therefore, this variant has been classified as Likely Pathogenic.

Mayo Clinic Laboratories, Mayo Clinic
Classification: Pathogenic. Last evaluated: 2024-08-29. Review status: criteria provided, single submitter. Criteria: ACMG Guidelines, 2015. Collection method: clinical testing. Allele origin: germline. Observed: 4 variant alleles.
Comment: PP1, PP3, PM1_supporting, PM2_moderate, PS3, PS4_moderate

Revvity Omics, Revvity
Classification: Likely pathogenic for Macrothrombocytopenia, isolated, 1, autosomal dominant. Last evaluated: 2023-06-30. Review status: criteria provided, single submitter. Criteria: ACMG Guidelines, 2015. Collection method: clinical testing. Allele origin: germline.

Blueprint Genetics
Classification: Pathogenic for TUBB1-related disorders. Last evaluated: 2022-09-24. Review status: criteria provided, single submitter. Criteria: ACMG Guidelines, 2015. Collection method: clinical testing. Allele origin: germline. Affected: yes. Observed: 1 variant allele.

Women's Health and Genetics/Laboratory Corporation of America, LabCorp
Classification: Likely pathogenic for Macrothrombocytopenia, isolated, 1, autosomal dominant. Last evaluated: 2022-06-08. Review status: criteria provided, single submitter. Criteria: LabCorp Variant Classification Summary - May 2015. Collection method: clinical testing. Allele origin: germline.
Comment: Variant summary: TUBB1 c.779T>C (p.Phe260Ser) results in a non-conservative amino acid change located in the Tubulin/FtsZ, 2-layer sandwich domain (IPR018316) of the encoded protein sequence. Five of five in-silico tools predict a damaging effect of the variant on protein function. The variant was absent in 251390 control chromosomes (gnomAD). c.779T>C has been reported in the literature in one Japanese family affected with Macrothrombocytopenia (Kunishima_2014). These data indicate that the variant is likely to be associated with disease. Kunishima_2014 also reported experimental evidence evaluating an impact on protein function using transfected CHO cells and retrovirally transduced mouse liver cells that were differentiated into megakaryocytes. The authors showed that the variant protein did not incorporate into microtubules like wild-type, but were instead localized diffusely throughout the cytoplasm. The differentiated megakaryocytes with the variant had significant reduction in proplatelet formation compared to wildtype. Three ClinVar submitters have assessed the variant since 2014: two classified the variant as likely pathogenic, and one as pathogenic. Based on the evidence outlined above, the variant was classified as likely pathogenic.

Genetic Services Laboratory, University of Chicago
Classification: Likely pathogenic. Last evaluated: 2022-01-04. Review status: criteria provided, single submitter. Criteria: ACMG Guidelines, 2015. Collection method: clinical testing. Allele origin: germline. Affected: yes.
Comment: DNA sequence analysis of the TUBB1 gene demonstrated a sequence change, c.779T>C, in exon 4 that results in an amino acid change, p.Phe260Ser. This sequence change is absent from known population databases (gnomAD). The p.Phe260Ser change affects a highly conserved amino acid residue located in a domain of the TUBB1 protein that is known to be functional. The p.Phe260Ser substitution appears to be damaging using several in-silico pathogenicity prediction tools (SIFT, PolyPhen2, Align GVGD, REVEL). This particular sequence change has been previously reported in association with thrombocytopenia and segregated with the disease (PMID: 24344610). Functional studies have also demonstrated that this variant results in diminished pro-platelet formation (PMID: 24344610).

Platelet Disorders/Laboratory of  Genetics and Genomics, Cincinnati Children's Hospital Medical Center, U Cincinnati College of Medicine
Classification: Pathogenic for Macrothrombocytopenia, isolated, 1, autosomal dominant. Last evaluated: 2020-01-10. Review status: criteria provided, single submitter. Criteria: ACMG Guidelines, 2015. Collection method: clinical testing. Allele origin: paternal. Inheritance: Autosomal dominant inheritance. Affected: yes. Observed: 1 heterozygote.
Comment: This variant, c.779T>C, results in the substitution of serine for phenylalanine at amino acid 260. It is previously reported in the published literature in association with thrombocytopenia and segregated with the disease (Kunishima et al. 2014), with functional data demonstrating that this variant results in diminished proplatelet formation. This sequence change has been reported in HGMD (CM142938) in association with Macrothrombocytopaenia and had been reported in ClinVar as a likely pathogenic variant (Variation ID 372810). Its population frequency is unknown (rs1057517996). Multiple in-silico prediction programs (AlignGVGD, SIFT, MutationTaster, Polyphen-2, Grantham Distance, BLOSUM45, BLOSUM62, BLOSUM80) suggest this change is pathogenic. The accuracies of various in silico prediction methods are in the range of 0.60-0.82 (Thusberg et al. 2011). Based on all of the available information, we consider this sequence change a disease-causing mutation.

GeneDx
Classification: Likely pathogenic. Last evaluated: 2016-11-28. Review status: criteria provided, single submitter. Criteria: GeneDx Variant Classification (06012015). Collection method: clinical testing. Allele origin: germline. Affected: yes.
Comment: The F260S variant in the TUBB1 gene has been reported previously in multiple affected individuals in a family with macrothrombocytopenia (Kunishima et al., 2014). The F260S variant was not observed in approximately 6,500 individuals of European and African American ancestry in the NHLBI Exome Sequencing Project, indicating it is not a common benign variant in these populations. The F260S variant is a non-conservative amino acid substitution, which is likely to impact secondary protein structure as these residues differ in polarity, charge, size and/or other properties. This substitution occurs at a position that is conserved across species and in silico analysis predicts this variant is probably damaging to the protein structure/function. The F260S variant is a strong candidate for a pathogenic variant.

OMIM
Classification: Pathogenic for MACROTHROMBOCYTOPENIA, ISOLATED, 1, AUTOSOMAL DOMINANT. Last evaluated: 2023-10-12. Review status: no assertion criteria provided. Collection method: literature only. Allele origin: germline. Not counted in ClinVar's aggregate classification.

Literature cited by the submitters: PubMed 24344610 (cited by 4 submitters); PubMed 37792884 (cited by Labcorp Genetics (formerly Invitae), Labcorp and Mayo Clinic Laboratories, Mayo Clinic).